The following is an entry in ClinVar:

NM_014956.5(CEP164):c.1152A>G (p.Gln384=)

Gene: CEP164 (centrosomal protein 164; plus strand). Cytogenetic location: 11q23.3.
Variant type: single nucleotide variant.
Coding change: c.1152A>G on transcript NM_014956.5 (MANE Select); coding-DNA position 1152, A replaced by G.
Protein change: p.Gln384=; no amino-acid change (glutamine 384 retained).
Molecular consequence: synonymous variant.
Genome position (GRCh38, 1-based): chr11:117,371,466, A>G. VCF-style: chr11-117371466-A-G. GRCh37 (hg19) VCF-style: chr11-117242182-A-G.
Other names: c.1152A>G, p.Gln384= (NM_001271933.2).
Identifiers: ClinVar variation 851371 (VCV000851371.6), dbSNP rs368171178, ClinGen allele CA6294640.

ClinVar aggregate classification (germline): Conflicting classifications of pathogenicity. Review status: criteria provided, conflicting classifications (1 of 4 stars). 2 submissions from 2 submitters: Uncertain significance (1); Likely benign (1). Last evaluated 2024-11-11.

Conditions:
Nephronophthisis 15 (NPHP15). Identifiers: Orphanet 3156, MedGen C3541853, MONDO:0013917, OMIM 614845.

Allele frequency attached by ClinVar (database versions not stated): ExAC 0.00005; gnomAD exomes 0.00009 and 0.00017; ESP Exome Variant Server 0.00015; TOPMed 0.00016; gnomAD 0.00019 and 0.00021.
gnomAD v4.1: 297 of 1,606,006 alleles (0.018%); highest among the groups gnomAD compares: Middle Eastern, 0.16%; 1 homozygote.

Submissions (2):

Blueprint Genetics
Classification: Likely benign. Last evaluated: 2024-11-11. Review status: criteria provided, single submitter. Criteria: ACMG Guidelines, 2015. Collection method: clinical testing. Allele origin: germline.

Labcorp Genetics (formerly Invitae), Labcorp
Classification: Uncertain significance for Nephronophthisis 15. Last evaluated: 2022-10-24. Review status: criteria provided, single submitter. Criteria: Invitae Variant Classification Sherloc (09022015). Collection method: clinical testing. Allele origin: germline.
Comment: This sequence change affects codon 384 of the CEP164 mRNA. It is a 'silent' change, meaning that it does not change the encoded amino acid sequence of the CEP164 protein. It affects a nucleotide within the consensus splice site. This variant is present in population databases (rs368171178, gnomAD 0.03%). This variant has not been reported in the literature in individuals affected with CEP164-related conditions. ClinVar contains an entry for this variant (Variation ID: 851371). Variants that disrupt the consensus splice site are a relatively common cause of aberrant splicing (PMID: 17576681, 9536098). Algorithms developed to predict the effect of sequence changes on RNA splicing suggest that this variant is not likely to affect RNA splicing. In summary, the available evidence is currently insufficient to determine the role of this variant in disease. Therefore, it has been classified as a Variant of Uncertain Significance.

Literature cited by the submitters: PubMed 17576681 (cited by Labcorp Genetics (formerly Invitae), Labcorp); PubMed 9536098 (cited by Labcorp Genetics (formerly Invitae), Labcorp).